The following is an entry in ClinVar:

ClinVar aggregate classification (germline): Uncertain significance (1 of 4 stars; one submission).

Allele frequency attached by ClinVar (database versions not stated): gnomAD 0.00001; TOPMed 0.00001.
gnomAD v4.1: 17 of 1,590,700 alleles (0.0011%); highest among the groups gnomAD compares: South Asian, 0.0034%; no homozygotes.

Submission:

Labcorp Genetics (formerly Invitae), Labcorp
Classification: Uncertain significance. Last evaluated: 2021-11-09. Review status: criteria provided, single submitter. Criteria: Invitae Variant Classification Sherloc (09022015). Collection method: clinical testing. Allele origin: germline.
Comment: In summary, the available evidence is currently insufficient to determine the role of this variant in disease. Therefore, it has been classified as a Variant of Uncertain Significance. Algorithms developed to predict the effect of missense changes on protein structure and function output the following: SIFT: "Tolerated"; PolyPhen-2: "Benign"; Align-GVGD: "Class C0". The methionine amino acid residue is found in multiple mammalian species, which suggests that this missense change does not adversely affect protein function. This variant has not been reported in the literature in individuals affected with LRRC56-related conditions. This variant is present in population databases (rs749620469, gnomAD 0.01%). This sequence change replaces threonine, which is neutral and polar, with methionine, which is neutral and non-polar, at codon 73 of the LRRC56 protein (p.Thr73Met).

NM_198075.4(LRRC56):c.218C>T (p.Thr73Met)

Gene: LRRC56 (leucine rich repeat containing 56; plus strand). Cytogenetic location: 11p15.5.
Variant type: single nucleotide variant.
Coding change: c.218C>T on transcript NM_198075.4 (MANE Select); coding-DNA position 218, C replaced by T.
Protein change: p.Thr73Met; replaces threonine 73 with methionine.
Molecular consequence: missense variant.
Genome position (GRCh38, 1-based): chr11:541,577, C>T. VCF-style: chr11-541577-C-T. GRCh37 (hg19) VCF-style: chr11-541577-C-T.
Other names: short protein forms T73M.
Identifiers: ClinVar variation 1381149 (VCV001381149.5), dbSNP rs749620469, ClinGen allele CA5779560.